The following is an entry in ClinVar:

NM_020937.4(FANCM):c.1538C>T (p.Ser513Leu)

Gene: FANCM (FA complementation group M; plus strand). Cytogenetic location: 14q21.2.
Variant type: single nucleotide variant.
Coding change: c.1538C>T on transcript NM_020937.4 (MANE Select); coding-DNA position 1538, C replaced by T.
Protein change: p.Ser513Leu; replaces serine 513 with leucine.
Molecular consequence: missense variant.
Genome position (GRCh38, 1-based): chr14:45,159,237, C>T. VCF-style: chr14-45159237-C-T. GRCh37 (hg19) VCF-style: chr14-45628440-C-T.
Other names: c.1460C>T, p.Ser487Leu (NM_001308133.2); c.1538C>T, p.Ser513Leu (NM_001308134.2); short protein forms S487L, S513L.
Identifiers: ClinVar variation 4841745 (VCV004841745.1).
Genomic context (GRCh38, chr14:45,159,237, plus strand): 5'-CAGAAATGCTTTCACAGCATCAGCCAATTATTAGAGTAATGACTTTTGTCGGCCATGCCT[C>T]AGGGAAAAGCACGAAGGGTTTTACCCAGAAGGAGCAACTGGAGGTAATTATTTTTGGAAT-3'
Protein context (NP_065988.1, residues 503-523): IRVMTFVGHA[Ser513Leu]GKSTKGFTQK

ClinVar aggregate classification (germline): Uncertain significance (1 of 4 stars; one submission).

Conditions:
Inborn genetic diseases. Identifiers: MedGen C0950123, MeSH D030342.

Submission:

Ambry Genetics
Classification: Uncertain significance for Inborn genetic diseases. Last evaluated: 2025-12-23. Review status: criteria provided, single submitter. Criteria: Ambry Variant Classification Scheme 2023. Collection method: clinical testing. Allele origin: germline.
Comment: The p.S513L variant (also known as c.1538C>T), located in coding exon 9 of the FANCM gene, results from a C to T substitution at nucleotide position 1538. The serine at codon 513 is replaced by leucine, an amino acid with dissimilar properties. This amino acid position is conserved. In addition, this alteration is predicted to be tolerated by in silico analysis. Based on the available evidence, the clinical significance of this variant remains unclear.